The following is an entry in ClinVar:

NM_020911.2(PLXNA4):c.1622G>A (p.Arg541Gln)

Gene: PLXNA4 (plexin A4; minus strand). Cytogenetic location: 7q32.3.
Variant type: single nucleotide variant.
Coding change: c.1622G>A on transcript NM_020911.2 (MANE Select); coding-DNA position 1622, G replaced by A.
Protein change: p.Arg541Gln; replaces arginine 541 with glutamine.
Molecular consequence: missense variant.
Genome position (GRCh38, 1-based): chr7:132,228,452, C>T on the plus strand (G>A on the coding strand, the complement: PLXNA4 is on the minus strand). VCF-style: chr7-132228452-C-T. GRCh37 (hg19) VCF-style: chr7-131913211-C-T.
Other names: c.1622G>A, p.Arg541Gln (NM_001393897.1); short protein forms R541Q.
Identifiers: ClinVar variation 2628684 (VCV002628684.1), dbSNP rs756771943, ClinGen allele CA4490066.

ClinVar aggregate classification (germline): Uncertain significance (1 of 4 stars; one submission).

Conditions:
PLXNA4-related disorder. Also called: PLXNA4-related condition.

Allele frequency attached by ClinVar (database versions not stated): TOPMed 0.00001; ExAC 0.00002; gnomAD 0.00003.

Submission:

PreventionGenetics, part of Exact Sciences
Classification: Uncertain significance for PLXNA4-related condition. Last evaluated: 2023-01-03. Review status: criteria provided, single submitter. Criteria: ACMG Guidelines, 2015. Collection method: clinical testing. Allele origin: germline.
Comment: The PLXNA4 c.1622G>A variant is predicted to result in the amino acid substitution p.Arg541Gln. To our knowledge, this variant has not been reported in the literature. This variant is reported in 0.0041% of alleles in individuals of African descent in gnomAD. At this time, the clinical significance of this variant is uncertain due to the absence of conclusive functional and genetic evidence.